The following is an entry in ClinVar:

ClinVar aggregate classification (germline): Pathogenic (1 of 4 stars; one submission).

Submission:

Labcorp Genetics (formerly Invitae), Labcorp
Classification: Pathogenic. Last evaluated: 2022-08-06. Review status: criteria provided, single submitter. Criteria: Invitae Variant Classification Sherloc (09022015). Collection method: clinical testing. Allele origin: germline.
Comment: This sequence change creates a premature translational stop signal (p.Trp129Serfs*10) in the WFS1 gene. It is expected to result in an absent or disrupted protein product. Loss-of-function variants in WFS1 are known to be pathogenic (PMID: 12955714). This variant is not present in population databases (gnomAD no frequency). This variant has not been reported in the literature in individuals affected with WFS1-related conditions. For these reasons, this variant has been classified as Pathogenic.

Literature cited by the submitters: PubMed 12955714.

NM_006005.3(WFS1):c.386_398del (p.Trp129fs)

Gene: WFS1 (wolframin ER transmembrane glycoprotein; plus strand). Cytogenetic location: 4p16.1.
Variant type: Deletion.
Coding change: c.386_398del on transcript NM_006005.3 (MANE Select); coding-DNA positions 386 to 398, 13 bases deleted (GGCTGGTCCTCGC).
Protein change: p.Trp129fs; shifts the reading frame from tryptophan 129.
Molecular consequence: frameshift variant.
Genome position (GRCh38, 1-based): chr4:6,289,057-6,289,069, GGCTGGTCCTCGC deleted. VCF-style (leftmost placement, unchanged base first): chr4-6289056-TGGCTGGTCCTCGC-T. GRCh37 (hg19) VCF-style: chr4-6290783-TGGCTGGTCCTCGC-T.
Other names: c.386_398del, p.Trp129fs (NM_001145853.1); short protein forms W129fs.
Identifiers: ClinVar variation 2022219 (VCV002022219.4), dbSNP rs2474171277, ClinGen allele CA2580071761.
Genomic context (GRCh38, chr4:6,289,056, plus strand): 5'-CACTACCTGCAGTTGGCCGGCGACACGGATGAAGAACTCAACAGCTGCACCGCTGTGGAC[TGGCTGGTCCTCGC>T]CGCGAAGCAGGGCCGTCGCGAGGCTGTGAAGCTGCTTCGCCGGTGCTTGGCGGACAGAAG-3'